The following is an entry in ClinVar:

ClinVar aggregate classification (germline): Uncertain significance. Review status: criteria provided, multiple submitters, no conflicts (2 of 4 stars). 2 submissions from 2 submitters: Uncertain significance (2). Last evaluated 2019-05-02.

Conditions:
Autosomal recessive limb-girdle muscular dystrophy type 2J (LGMDR10). Also called: Limb-girdle muscular dystrophy, type 2J; MUSCULAR DYSTROPHY, LIMB-GIRDLE, AUTOSOMAL RECESSIVE 10. Identifiers: Orphanet 140922, MedGen C1837342, MONDO:0012127, OMIM 608807.
Dilated cardiomyopathy 1G (CMD1G). Identifiers: Orphanet 154, MedGen C1858763, MONDO:0011400, OMIM 604145.

Allele frequency attached by ClinVar (database versions not stated): gnomAD 0.00003 and 0.00004; gnomAD exomes 0.00003 and 0.00004; TOPMed 0.00003; ExAC 0.00004; ESP Exome Variant Server 0.00008.
gnomAD v4.1: 65 of 1,613,124 alleles (0.004%); highest among the groups gnomAD compares: Non-Finnish European, 0.0046%; no homozygotes.

Submissions (2):

ARUP Laboratories, Molecular Genetics and Genomics, ARUP Laboratories
Classification: Uncertain significance. Last evaluated: 2019-05-02. Review status: criteria provided, single submitter. Criteria: ARUP Molecular Germline Variant Investigation Process. Collection method: clinical testing. Allele origin: germline.
Comment: The TTN c.91631C>A; p.Thr30544Lys variant (rs374883160; ClinVar Variation ID: 535416) is rare in the general population (<1% allele frequency in the Genome Aggregation Database) and has not been reported in the medical literature in association with dilated cardiomyopathy (DCM) or other TTN-related disease. The clinical relevance of rare missense variants in this gene, which are identified on average once per individual sequenced in affected populations (Herman 2012), is not well understood. Yet, evidence suggests that the vast majority of such missense variants do not contribute to the clinical outcome of DCM (Begay 2015). Thus, the clinical significance of the p.Thr30544Lys variant cannot be determined with certainty. References: Begay RL et al. Role of Titin Missense Variants in Dilated Cardiomyopathy. J Am Heart Assoc. 2015 Nov 13;4(11). Herman DS et al. Truncations of titin causing dilated cardiomyopathy. N Engl J Med. 2012 Feb 16;366(7):619-28.

Labcorp Genetics (formerly Invitae), Labcorp
Classification: Uncertain significance for Dilated cardiomyopathy 1G; Autosomal recessive limb-girdle muscular dystrophy type 2J. Last evaluated: 2017-09-14. Review status: criteria provided, single submitter. Criteria: Invitae Variant Classification Sherloc (09022015). Collection method: clinical testing. Allele origin: germline.

NM_001267550.2(TTN):c.99335C>A (p.Thr33112Lys)

Genes: TTN (titin; minus strand), TTN-AS1 (TTN antisense RNA 1; plus strand). Cytogenetic location: 2q31.2.
Variant type: single nucleotide variant.
Coding change: c.99335C>A on transcript NM_001267550.2 (MANE Select); coding-DNA position 99335, C replaced by A.
Protein change: p.Thr33112Lys; replaces threonine 33112 with lysine.
Molecular consequence: missense variant.
Genome position (GRCh38, 1-based): chr2:178,537,872, G>T on the plus strand (C>A on the coding strand, the complement: TTN is on the minus strand). VCF-style: chr2-178537872-G-T. GRCh37 (hg19) VCF-style: chr2-179402599-G-T.
Other names: c.94412C>A, p.Thr31471Lys (NM_001256850.1); c.72140C>A, p.Thr24047Lys (NM_003319.4); c.91631C>A, p.Thr30544Lys (NM_133378.4); c.72515C>A, p.Thr24172Lys (NM_133432.3); c.72716C>A, p.Thr24239Lys (NM_133437.4); short protein forms T33112K, T30544K, T24047K, T24172K, T31471K, T24239K.
Identifiers: ClinVar variation 535416 (VCV000535416.11), dbSNP rs374883160, ClinGen allele CA1986196.